The following is an entry in ClinVar:

NM_019032.6(ADAMTSL4):c.1102_1103del (p.Glu367_Ser368insTer)

Genes: ADAMTSL4 (ADAMTS like 4; plus strand), ADAMTSL4-AS2 (ADAMTSL4 antisense RNA 2; minus strand). Cytogenetic location: 1q21.2.
Variant type: Microsatellite.
Coding change: c.1102_1103del on transcript NM_019032.6 (MANE Select); coding-DNA positions 1102 to 1103, 2 bases deleted (AG; older notation c.1102_1103delAG).
Protein change: p.Glu367_Ser368insTer.
Molecular consequence: nonsense.
Genome position (GRCh38, 1-based): chr1:150,554,093-150,554,094, AG deleted; deleting any 2 consecutive bases within chr1:150,554,090-150,554,094 gives the same sequence; the c. name uses the placement nearest the transcript's 3' end. VCF-style (leftmost placement, unchanged base first): chr1-150554089-GGA-G. GRCh37 (hg19) VCF-style: chr1-150526565-GGA-G.
Other names: c.1102_1103del, p.Glu367_Ser368insTer (NM_001288607.2, NM_001288608.2, NM_001378596.1 and 1 more transcripts).
Identifiers: ClinVar variation 2955790 (VCV002955790.3), dbSNP rs1560289791, ClinGen allele CA526260775.

ClinVar aggregate classification (germline): Pathogenic (1 of 4 stars; one submission).

Submission:

Labcorp Genetics (formerly Invitae), Labcorp
Classification: Pathogenic. Last evaluated: 2025-02-06. Review status: criteria provided, single submitter. Criteria: Invitae Variant Classification Sherloc (09022015). Collection method: clinical testing. Allele origin: germline.
Comment: This sequence change creates a premature translational stop signal (p.Ser368*) in the ADAMTSL4 gene. It is expected to result in an absent or disrupted protein product. Loss-of-function variants in ADAMTSL4 are known to be pathogenic (PMID: 20564469, 28642162). This variant is present in population databases (no rsID available, gnomAD 0.003%). This variant has not been reported in the literature in individuals affected with ADAMTSL4-related conditions. For these reasons, this variant has been classified as Pathogenic.

Literature cited by the submitters: PubMed 20564469; PubMed 28642162.